The following is an entry in ClinVar:

NM_001395413.1(POR):c.1685T>C (p.Leu562Pro)

Gene: POR (cytochrome p450 oxidoreductase; plus strand). Cytogenetic location: 7q11.23.
Variant type: single nucleotide variant.
Coding change: c.1685T>C on transcript NM_001395413.1 (MANE Select); coding-DNA position 1685, T replaced by C.
Protein change: p.Leu562Pro; replaces leucine 562 with proline.
Molecular consequence: missense variant.
Genome position (GRCh38, 1-based): chr7:75,985,947, T>C. VCF-style: chr7-75985947-T-C. GRCh37 (hg19) VCF-style: chr7-75615265-T-C.
Other names: c.1694T>C (NM_000941.2); c.1685T>C, p.Leu562Pro (NM_001367562.3, NM_001382657.2, NM_001382658.3 and 1 more transcripts); c.1739T>C, p.Leu580Pro (NM_001382655.3); c.1535T>C, p.Leu512Pro (NM_001382662.3); short protein forms L512P, L562P, L580P.
Identifiers: ClinVar variation 3339945 (VCV003339945.3).

ClinVar aggregate classification (germline): Likely pathogenic. Review status: criteria provided, multiple submitters, no conflicts (2 of 4 stars). 3 submissions from 3 submitters: Likely pathogenic (3). Last evaluated 2025-08-15.

Conditions:
Congenital adrenal hyperplasia. Identifiers: Orphanet 418, MedGen C0001627, MONDO:0018479, HP:0008258.
Antley-Bixler syndrome with genital anomalies and disordered steroidogenesis (ABS1). Also called: POR Deficiency. Identifiers: Orphanet 63269, MedGen C3150099, MONDO:0008726, OMIM 201750.
Congenital adrenal hyperplasia due to cytochrome P450 oxidoreductase deficiency. Also called: DISORDERED STEROIDOGENESIS DUE TO POR DEFICIENCY. Identifiers: Orphanet 95699, MedGen C1860042, MONDO:0013310, OMIM 613571.

gnomAD v4.1: 3 of 1,590,320 alleles (0.00019%); highest among the groups gnomAD compares: Non-Finnish European, 0.00017%; no homozygotes.

Submissions (3):

Labcorp Genetics (formerly Invitae), Labcorp
Classification: Likely pathogenic for Congenital adrenal hyperplasia due to cytochrome P450 oxidoreductase deficiency. Last evaluated: 2025-08-15. Review status: criteria provided, single submitter. Criteria: Invitae Variant Classification Sherloc (09022015). Collection method: clinical testing. Allele origin: germline.
Comment: This sequence change replaces leucine, which is neutral and non-polar, with proline, which is neutral and non-polar, at codon 565 of the POR protein (p.Leu565Pro). This variant is not present in population databases (gnomAD no frequency). This missense change has been observed in individual(s) with Antley-Bixler syndrome (PMID: 1593702, 15793702). ClinVar contains an entry for this variant (Variation ID: 3339945). Invitae Evidence Modeling of protein sequence and biophysical properties (such as structural, functional, and spatial information, amino acid conservation, physicochemical variation, residue mobility, and thermodynamic stability) indicates that this missense variant is expected to disrupt POR protein function with a positive predictive value of 80%. Experimental studies have shown that this missense change affects POR function (PMID: 15797702, 18551037, 22252407). In summary, the currently available evidence indicates that the variant is pathogenic, but additional data are needed to prove that conclusively. Therefore, this variant has been classified as Likely Pathogenic.

Fulgent Genetics
Classification: Likely pathogenic for Antley-Bixler syndrome with genital anomalies and disordered steroidogenesis; Congenital adrenal hyperplasia due to cytochrome P450 oxidoreductase deficiency. Last evaluated: 2024-06-20. Review status: criteria provided, single submitter. Criteria: ACMG Guidelines, 2015. Collection method: clinical testing. Allele origin: germline.

Women's Health and Genetics/Laboratory Corporation of America, LabCorp
Classification: Likely pathogenic for Congenital adrenal hyperplasia. Last evaluated: 2024-06-20. Review status: criteria provided, single submitter. Criteria: LabCorp Variant Classification Summary - May 2015. Collection method: clinical testing. Allele origin: germline.
Comment: Variant summary: POR c.1685T>C (p.Leu562Pro) results in a non-conservative amino acid change in the encoded protein sequence. Five of five in-silico tools predict a damaging effect of the variant on protein function. The frequency data for this variant in gnomAD is considered unreliable, as metrics indicate poor data quality at this position. c.1685T>C has been reported in the literature in at least one compound heterozygous individual affected with Congenital Adrenal Hyperplasia (Huang_2005). At least one publication reports experimental evidence evaluating an impact on protein function. The most pronounced variant effect results in a significant reduction of catalytic activity in transfected bacterial cells (Huang_2005, Moutinho_2012). The following publications have been ascertained in the context of this evaluation (PMID: 15793702, 22252407). No submitters have cited clinical-significance assessments for this variant to ClinVar. Based on the evidence outlined above, the variant was classified as likely pathogenic.

Literature cited by the submitters: PubMed 1593702 (cited by Labcorp Genetics (formerly Invitae), Labcorp); PubMed 15793702 (cited by Labcorp Genetics (formerly Invitae), Labcorp and Women's Health and Genetics/Laboratory Corporation of America, LabCorp); PubMed 15797702 (cited by Labcorp Genetics (formerly Invitae), Labcorp); PubMed 18551037 (cited by Labcorp Genetics (formerly Invitae), Labcorp); PubMed 22252407 (cited by Labcorp Genetics (formerly Invitae), Labcorp and Women's Health and Genetics/Laboratory Corporation of America, LabCorp).